The following is an entry in ClinVar:

ClinVar aggregate classification (germline): Uncertain significance. Review status: criteria provided, multiple submitters, no conflicts (2 of 4 stars). 2 submissions from 2 submitters: Uncertain significance (2). Last evaluated 2024-07-05.

Conditions:
X-linked severe combined immunodeficiency (SCIDX1). Also called: X-Linked Combined Immunodeficiency Diseases; IMMUNODEFICIENCY 4; SCID, X-LINKED; SEVERE COMBINED IMMUNODEFICIENCY, X-LINKED, T CELL-NEGATIVE, B CELL-POSITIVE, NK CELL-NEGATIVE; T-B+ severe combined immunodeficiency due to gamma chain deficiency. Identifiers: Orphanet 276, MedGen C6022468, MONDO:0010315, OMIM 300400. Disease mechanism: loss of function.

Allele frequency attached by ClinVar (database versions not stated): gnomAD exomes below 0.00001; gnomAD 0.00001.

Submissions (2):

Women's Health and Genetics/Laboratory Corporation of America, LabCorp
Classification: Uncertain significance. Last evaluated: 2024-07-05. Review status: criteria provided, single submitter. Criteria: LabCorp Variant Classification Summary - May 2015. Collection method: clinical testing. Allele origin: germline.

Labcorp Genetics (formerly Invitae), Labcorp
Classification: Uncertain significance for X-linked severe combined immunodeficiency. Last evaluated: 2021-08-24. Review status: criteria provided, single submitter. Criteria: Invitae Variant Classification Sherloc (09022015). Collection method: clinical testing. Allele origin: germline.
Comment: This sequence change replaces histidine with tyrosine at codon 185 of the IL2RG protein (p.His185Tyr). The histidine residue is moderately conserved and there is a moderate physicochemical difference between histidine and tyrosine. This variant is not present in population databases (ExAC no frequency). This variant has not been reported in the literature in individuals affected with IL2RG-related conditions. Algorithms developed to predict the effect of missense changes on protein structure and function output the following: SIFT: "Tolerated"; PolyPhen-2: "Benign"; Align-GVGD: "Class C0". The tyrosine amino acid residue is found in multiple mammalian species, which suggests that this missense change does not adversely affect protein function. In summary, the available evidence is currently insufficient to determine the role of this variant in disease. Therefore, it has been classified as a Variant of Uncertain Significance.

NM_000206.3(IL2RG):c.553C>T (p.His185Tyr)

Gene: IL2RG (interleukin 2 receptor subunit gamma; minus strand). Cytogenetic location: Xq13.1.
Variant type: single nucleotide variant.
Coding change: c.553C>T on transcript NM_000206.3 (MANE Select); coding-DNA position 553, C replaced by T.
Protein change: p.His185Tyr; replaces histidine 185 with tyrosine.
Molecular consequence: missense variant.
Genome position (GRCh38, 1-based): chrX:71,110,197, G>A on the plus strand (C>T on the coding strand, the complement: IL2RG is on the minus strand). VCF-style: chrX-71110197-G-A. GRCh37 (hg19) VCF-style: chrX-70330047-G-A.
Other names: short protein forms H185Y.
Identifiers: ClinVar variation 937937 (VCV000937937.7), dbSNP rs1477944387, ClinGen allele CA413496285.